The following is an entry in ClinVar:

ClinVar aggregate classification (germline): Uncertain significance (1 of 4 stars; one submission).

Submission:

GeneDx
Classification: Uncertain significance. Last evaluated: 2023-05-15. Review status: criteria provided, single submitter. Criteria: GeneDx Variant Classification Process June 2021. Collection method: clinical testing. Allele origin: germline. Affected: yes.
Comment: Not observed at significant frequency in large population cohorts (gnomAD); In silico analysis supports that this missense variant does not alter protein structure/function; Has not been previously published as pathogenic or benign to our knowledge

NM_000888.5(ITGB6):c.1948A>C (p.Lys650Gln)

Gene: ITGB6 (integrin subunit beta 6; minus strand). Cytogenetic location: 2q24.2.
Variant type: single nucleotide variant.
Coding change: c.1948A>C on transcript NM_000888.5 (MANE Select); coding-DNA position 1948, A replaced by C.
Protein change: p.Lys650Gln; replaces lysine 650 with glutamine.
Molecular consequence: missense variant. On other transcripts: intron variant (1).
Genome position (GRCh38, 1-based): chr2:160,123,824, T>G on the plus strand (A>C on the coding strand, the complement: ITGB6 is on the minus strand). VCF-style: chr2-160123824-T-G. GRCh37 (hg19) VCF-style: chr2-160980335-T-G.
Other names: c.1534A>C, p.Lys512Gln (NM_001282390.2); c.1661-11625A>C (NM_001282355.2); c.1948A>C, p.Lys650Gln (NM_001282353.2); c.1663A>C, p.Lys555Gln (NM_001282354.2); c.1822A>C, p.Lys608Gln (NM_001282388.2); c.1729A>C, p.Lys577Gln (NM_001282389.2); short protein forms K512Q, K555Q, K577Q, K608Q, K650Q.
Identifiers: ClinVar variation 3343400 (VCV003343400.1).